The following is an entry in ClinVar:

ClinVar aggregate classification (germline): Likely benign (1 of 4 stars; one submission).

Allele frequency attached by ClinVar (database versions not stated): gnomAD exomes below 0.00001.
gnomAD v4.1: 1 of 1,614,166 alleles (0.000062%); highest among the groups gnomAD compares: Non-Finnish European, 0.000085%; no homozygotes.

Submission:

GeneDx
Classification: Likely benign. Last evaluated: 2014-10-09. Review status: criteria provided, single submitter. Criteria: GeneDx Variant Classification (06012015). Collection method: clinical testing. Allele origin: germline. Affected: yes.
Comment: This variant is considered likely benign or benign based on one or more of the following criteria: it is a conservative change, it occurs at a poorly conserved position in the protein, it is predicted to be benign by multiple in silico algorithms, and/or has population frequency not consistent with disease.

NM_020312.4(COQ9):c.849G>A (p.Met283Ile)

Gene: COQ9 (coenzyme Q9; plus strand). Cytogenetic location: 16q21.
Variant type: single nucleotide variant.
Coding change: c.849G>A on transcript NM_020312.4 (MANE Select); coding-DNA position 849, G replaced by A.
Protein change: p.Met283Ile; replaces methionine 283 with isoleucine.
Molecular consequence: missense variant.
Genome position (GRCh38, 1-based): chr16:57,459,702, G>A. VCF-style: chr16-57459702-G-A. GRCh37 (hg19) VCF-style: chr16-57493614-G-A.
Other names: p.M283I:ATG>ATA; short protein forms M283I.
Identifiers: ClinVar variation 214239 (VCV000214239.1), dbSNP rs863223939, ClinGen allele CA321455.
Genomic context (GRCh38, chr16:57,459,702, plus strand): 5'-TCCAGACTTTGAGGACACTTGGCGCTTCCTGGAAAACCGGGTTAATGATGCAATGAACAT[G>A]GGCCACACTGCCAAGCAGGTAGGTGGGGACTAGCCATTGGGGAACCCTCTTTAGAAGGCA-3'
Protein context (NP_064708.1, residues 273-293): LENRVNDAMN[Met283Ile]GHTAKQVKST